The following is an entry in ClinVar:

ClinVar aggregate classification (germline): Benign/Likely benign. Review status: criteria provided, multiple submitters, no conflicts (2 of 4 stars). 3 submissions from 3 submitters: Benign (1); Likely benign (2). Last evaluated 2026-01-13.

Conditions:
Familial sleep-related hypermotor epilepsy. Also called: Autosomal Dominant Sleep-Related Hypermotor (Hyperkinetic) Epilepsy. Identifiers: Orphanet 98784, MedGen C3696898, MONDO:0000030.

Allele frequency attached by ClinVar (database versions not stated): gnomAD 0.01801 and 0.01971; gnomAD exomes 0.02602; TOPMed 0.02553; 1000 Genomes Project 0.03574.

Submissions (3):

Labcorp Genetics (formerly Invitae), Labcorp
Classification: Benign. Last evaluated: 2026-01-13. Review status: criteria provided, single submitter. Criteria: Invitae Variant Classification Sherloc (09022015). Collection method: clinical testing. Allele origin: germline.

GeneDx
Classification: Likely benign. Last evaluated: 2018-06-14. Review status: criteria provided, single submitter. Criteria: GeneDx Variant Classification (06012015). Collection method: clinical testing. Allele origin: germline. Affected: yes.
Comment: This variant is considered likely benign or benign based on one or more of the following criteria: it is a conservative change, it occurs at a poorly conserved position in the protein, it is predicted to be benign by multiple in silico algorithms, and/or has population frequency not consistent with disease.

Breakthrough Genomics
Classification: Likely benign. Review status: criteria provided, single submitter. Criteria: ACMG Guidelines, 2015. Collection method: not provided. Allele origin: germline. Inheritance: Unknown mechanism. Affected: yes.

NC_000001.11:g.154567749G>A

Gene: CHRNB2 (cholinergic receptor nicotinic beta 2 subunit; plus strand). Cytogenetic location: 1q21.3.
Variant type: single nucleotide variant.
Genome position: GRCh38 VCF-style: chr1-154567749-G-A. GRCh37 (hg19) VCF-style: chr1-154540225-G-A.
Identifiers: ClinVar variation 673243 (VCV000673243.9), dbSNP rs2072658, ClinGen allele CA30831479.